The following is an entry in ClinVar:

NM_000126.4(ETFA):c.8G>C (p.Arg3Pro)

Gene: ETFA (electron transfer flavoprotein subunit alpha; minus strand). Cytogenetic location: 15q24.3.
Variant type: single nucleotide variant.
Coding change: c.8G>C on transcript NM_000126.4 (MANE Select); coding-DNA position 8, G replaced by C.
Protein change: p.Arg3Pro; replaces arginine 3 with proline.
Molecular consequence: missense variant.
Genome position (GRCh38, 1-based): chr15:76,311,381, C>G on the plus strand (G>C on the coding strand, the complement: ETFA is on the minus strand). VCF-style: chr15-76311381-C-G. GRCh37 (hg19) VCF-style: chr15-76603722-C-G.
Other names: c.8G>C, p.Arg3Pro (NM_001127716.2); short protein forms R3P.
Identifiers: ClinVar variation 1495856 (VCV001495856.8), dbSNP rs2141564581, ClinGen allele CA393519616.

ClinVar aggregate classification (germline): Uncertain significance (1 of 4 stars; one submission).

Conditions:
Multiple acyl-CoA dehydrogenase deficiency (MADD). Also called: Glutaric aciduria, type 2; Glutaric acidemia type II; GA 2; Glutaric Acidemia type 2; ETHYLMALONIC-ADIPICACIDURIA; GA II. Identifiers: Orphanet 26791, MedGen C0268596, MONDO:0009282, OMIM 231680.

Submission:

Labcorp Genetics (formerly Invitae), Labcorp
Classification: Uncertain significance for Multiple acyl-CoA dehydrogenase deficiency. Last evaluated: 2021-04-04. Review status: criteria provided, single submitter. Criteria: Invitae Variant Classification Sherloc (09022015). Collection method: clinical testing. Allele origin: germline.
Comment: This sequence change replaces arginine with proline at codon 3 of the ETFA protein (p.Arg3Pro). The arginine residue is moderately conserved and there is a moderate physicochemical difference between arginine and proline. In summary, the available evidence is currently insufficient to determine the role of this variant in disease. Therefore, it has been classified as a Variant of Uncertain Significance. Algorithms developed to predict the effect of missense changes on protein structure and function (SIFT, PolyPhen-2, Align-GVGD) all suggest that this variant is likely to be tolerated, but these predictions have not been confirmed by published functional studies and their clinical significance is uncertain. This variant has not been reported in the literature in individuals with ETFA-related conditions. The frequency data for this variant in the population databases is considered unreliable, as metrics indicate insufficient coverage at this position in the ExAC database.